The following is an entry in ClinVar:

ClinVar aggregate classification (germline): Uncertain significance. Review status: criteria provided, multiple submitters, no conflicts (2 of 4 stars). 3 submissions from 3 submitters: Uncertain significance (3). Last evaluated 2025-10-17.

Conditions:
Inborn genetic diseases. Identifiers: MedGen C0950123, MeSH D030342.
Vitamin D-dependent rickets, type 1A. Also called: VITAMIN D HYDROXYLATION-DEFICIENT RICKETS, TYPE 1A; PDDR IA; PSEUDOVITAMIN D-DEFICIENCY RICKETS, TYPE IA. Identifiers: MedGen CN283242, MONDO:0020723, OMIM 264700.

Allele frequency attached by ClinVar (database versions not stated): ExAC 0.00008; gnomAD 0.00011; 1000 Genomes Project 30x 0.00031; gnomAD exomes 0.00001; TOPMed 0.00008; 1000 Genomes Project 0.00040.
gnomAD v4.1: 28 of 1,536,312 alleles (0.0018%); highest among the groups gnomAD compares: African/African-American, 0.037%; no homozygotes.

Submissions (3):

Mayo Clinic Laboratories, Mayo Clinic
Classification: Uncertain significance. Last evaluated: 2025-10-17. Review status: criteria provided, single submitter. Criteria: ACMG Guidelines, 2015. Collection method: clinical testing. Allele origin: germline. Observed: 1 variant allele.
Comment: BP4_moderate

Ambry Genetics
Classification: Uncertain significance for Inborn genetic diseases. Last evaluated: 2025-04-15. Review status: criteria provided, single submitter. Criteria: Ambry Variant Classification Scheme 2023. Collection method: clinical testing. Allele origin: germline.

Fulgent Genetics
Classification: Uncertain significance for Vitamin D-dependent rickets, type 1A. Last evaluated: 2024-06-25. Review status: criteria provided, single submitter. Criteria: ACMG Guidelines, 2015. Collection method: clinical testing. Allele origin: germline.

NM_000785.4(CYP27B1):c.200A>G (p.Gln67Arg)

Gene: CYP27B1 (cytochrome P450 family 27 subfamily B member 1; minus strand). Cytogenetic location: 12q14.1.
Variant type: single nucleotide variant.
Coding change: c.200A>G on transcript NM_000785.4 (MANE Select); coding-DNA position 200, A replaced by G.
Protein change: p.Gln67Arg; replaces glutamine 67 with arginine.
Molecular consequence: missense variant.
Genome position (GRCh38, 1-based): chr12:57,766,193, T>C on the plus strand (A>G on the coding strand, the complement: CYP27B1 is on the minus strand). VCF-style: chr12-57766193-T-C. GRCh37 (hg19) VCF-style: chr12-58159976-T-C.
Other names: p.Gln67Arg; short protein forms Q67R.
Identifiers: ClinVar variation 2301172 (VCV002301172.5), dbSNP rs548176807, ClinGen allele CA6658507.
Genomic context (GRCh38, chr12:57,766,193, plus strand): 5'-TACACGGTGCGCACTGTCCCAAAGCTGGCTAGCCACACCGGCCCGAAGTGCGCGGCGCCC[T>C]GCACCTGGGGGAGCGGACACAGCGGACACTTGGATACCTGGGCGGGGACTTTCAGCTTGA-3'
Protein context (NP_000776.1, residues 57-77): GLSRLHELQV[Gln67Arg]GAAHFGPVWL